The following is an entry in ClinVar:

NM_001457.4(FLNB):c.973G>A (p.Gly325Arg)

Gene: FLNB (filamin B; plus strand). Cytogenetic location: 3p14.3.
Variant type: single nucleotide variant.
Coding change: c.973G>A on transcript NM_001457.4 (MANE Select); coding-DNA position 973, G replaced by A.
Protein change: p.Gly325Arg; replaces glycine 325 with arginine.
Molecular consequence: missense variant.
Genome position (GRCh38, 1-based): chr3:58,096,207, G>A. VCF-style: chr3-58096207-G-A. GRCh37 (hg19) VCF-style: chr3-58081934-G-A.
Other names: c.973G>A, p.Gly325Arg (NM_001164317.2, NM_001164318.2, NM_001164319.2); short protein forms G325R.
Identifiers: ClinVar variation 2869845 (VCV002869845.3), dbSNP rs766974304, ClinGen allele CA2467673.

ClinVar aggregate classification (germline): Uncertain significance (1 of 4 stars; one submission).

Allele frequency attached by ClinVar (database versions not stated): TOPMed below 0.00001; ExAC 0.00001; gnomAD exomes 0.00001.
gnomAD v4.1: 7 of 1,613,606 alleles (0.00043%); highest among the groups gnomAD compares: East Asian, 0.0022%; no homozygotes.

Submission:

Labcorp Genetics (formerly Invitae), Labcorp
Classification: Uncertain significance. Last evaluated: 2024-05-28. Review status: criteria provided, single submitter. Criteria: Invitae Variant Classification Sherloc (09022015). Collection method: clinical testing. Allele origin: germline.
Comment: This sequence change replaces glycine, which is neutral and non-polar, with arginine, which is basic and polar, at codon 325 of the FLNB protein (p.Gly325Arg). This variant is present in population databases (rs766974304, gnomAD 0.006%). This variant has not been reported in the literature in individuals affected with FLNB-related conditions. Advanced modeling of protein sequence and biophysical properties (such as structural, functional, and spatial information, amino acid conservation, physicochemical variation, residue mobility, and thermodynamic stability) has been performed at Invitae for this missense variant, however the output from this modeling did not meet the statistical confidence thresholds required to predict the impact of this variant on FLNB protein function. In summary, the available evidence is currently insufficient to determine the role of this variant in disease. Therefore, it has been classified as a Variant of Uncertain Significance.